The following is an entry in ClinVar:

NM_000388.4(CASR):c.1694G>T (p.Cys565Phe)

Gene: CASR (calcium sensing receptor; plus strand). Cytogenetic location: 3q21.1.
Variant type: single nucleotide variant.
Coding change: c.1694G>T on transcript NM_000388.4 (MANE Select); coding-DNA position 1694, G replaced by T.
Protein change: p.Cys565Phe; replaces cysteine 565 with phenylalanine.
Molecular consequence: missense variant.
Genome position (GRCh38, 1-based): chr3:122,282,198, G>T. VCF-style: chr3-122282198-G-T. GRCh37 (hg19) VCF-style: chr3-122001045-G-T.
Other names: p.Cys565Phe; c.1724G>T, p.Cys575Phe (NM_001178065.2); short protein forms C565F, C575F.
Identifiers: ClinVar variation 3380979 (VCV003380979.3).

ClinVar aggregate classification (germline): Conflicting classifications of pathogenicity. Review status: criteria provided, conflicting classifications (1 of 4 stars). 2 submissions from 2 submitters: Likely pathogenic (1); Uncertain significance (1). Last evaluated 2024-12-30.

Conditions:
Autosomal dominant hypocalcemia 1 (HYPOC1). Also called: HYPOCALCEMIA, FAMILIAL. Identifiers: MedGen C3715128, MONDO:0011013, OMIM 601198.
Familial hypocalciuric hypercalcemia (FHH). Also called: Familial benign hypercalcemia. Identifiers: Orphanet 405, MedGen C1809471, MONDO:0018458.

Submissions (2):

Labcorp Genetics (formerly Invitae), Labcorp
Classification: Uncertain significance for Familial hypocalciuric hypercalcemia; Autosomal dominant hypocalcemia 1. Last evaluated: 2024-12-30. Review status: criteria provided, single submitter. Criteria: Invitae Variant Classification Sherloc (09022015). Collection method: clinical testing. Allele origin: germline.
Comment: This sequence change replaces cysteine, which is neutral and slightly polar, with phenylalanine, which is neutral and non-polar, at codon 565 of the CASR protein (p.Cys565Phe). This variant is not present in population databases (gnomAD no frequency). This variant has not been reported in the literature in individuals affected with CASR-related conditions. An algorithm developed to predict the effect of missense changes on protein structure and function (PolyPhen-2) suggests that this variant is likely to be disruptive. In summary, the available evidence is currently insufficient to determine the role of this variant in disease. Therefore, it has been classified as a Variant of Uncertain Significance.

Mayo Clinic Laboratories, Mayo Clinic
Classification: Likely pathogenic. Last evaluated: 2023-07-06. Review status: criteria provided, single submitter. Criteria: ACMG Guidelines, 2015. Collection method: clinical testing. Allele origin: germline. Observed: 1 variant allele.
Comment: PP2, PP3, PM1, PM2, PM5

Literature cited by the submitters: PubMed 17979873 (cited by Mayo Clinic Laboratories, Mayo Clinic); PubMed 9801147 (cited by Mayo Clinic Laboratories, Mayo Clinic).